The following is an entry in ClinVar:

ClinVar aggregate classification (germline): Uncertain significance (1 of 4 stars; one submission).

Allele frequency attached by ClinVar (database versions not stated): gnomAD exomes below 0.00001.
gnomAD v4.1: 2 of 1,614,074 alleles (0.00012%); highest among the groups gnomAD compares: Non-Finnish European, 0.00017%; no homozygotes.

Submission:

Labcorp Genetics (formerly Invitae), Labcorp
Classification: Uncertain significance. Last evaluated: 2021-12-29. Review status: criteria provided, single submitter. Criteria: Invitae Variant Classification Sherloc (09022015). Collection method: clinical testing. Allele origin: germline.
Comment: This variant has not been reported in the literature in individuals affected with PLCE1-related conditions. This variant is not present in population databases (gnomAD no frequency). This sequence change replaces isoleucine, which is neutral and non-polar, with valine, which is neutral and non-polar, at codon 1403 of the PLCE1 protein (p.Ile1403Val). In summary, the available evidence is currently insufficient to determine the role of this variant in disease. Therefore, it has been classified as a Variant of Uncertain Significance. Algorithms developed to predict the effect of missense changes on protein structure and function are either unavailable or do not agree on the potential impact of this missense change (SIFT: "Deleterious"; PolyPhen-2: "Possibly Damaging"; Align-GVGD: "Class C0").

NM_016341.4(PLCE1):c.4207A>G (p.Ile1403Val)

Gene: PLCE1 (phospholipase C epsilon 1; plus strand). Cytogenetic location: 10q23.33.
Variant type: single nucleotide variant.
Coding change: c.4207A>G on transcript NM_016341.4 (MANE Select); coding-DNA position 4207, A replaced by G.
Protein change: p.Ile1403Val; replaces isoleucine 1403 with valine.
Molecular consequence: missense variant.
Genome position (GRCh38, 1-based): chr10:94,265,884, A>G. VCF-style: chr10-94265884-A-G. GRCh37 (hg19) VCF-style: chr10-96025641-A-G.
Other names: c.3283A>G, p.Ile1095Val (NM_001165979.2); c.4159A>G, p.Ile1387Val (NM_001288989.2); short protein forms I1095V, I1403V, I1387V.
Identifiers: ClinVar variation 1912149 (VCV001912149.5), dbSNP rs1020324868, ClinGen allele CA211622252.